The following is an entry in ClinVar:

NM_001172509.2(SATB2):c.1127G>T (p.Ser376Ile)

Gene: SATB2 (SATB homeobox 2; minus strand). Cytogenetic location: 2q33.1.
Variant type: single nucleotide variant.
Coding change: c.1127G>T on transcript NM_001172509.2 (MANE Select); coding-DNA position 1127, G replaced by T.
Protein change: p.Ser376Ile; replaces serine 376 with isoleucine.
Molecular consequence: missense variant.
Genome position (GRCh38, 1-based): chr2:199,348,747, C>A on the plus strand (G>T on the coding strand, the complement: SATB2 is on the minus strand). VCF-style: chr2-199348747-C-A. GRCh37 (hg19) VCF-style: chr2-200213470-C-A.
Other names: c.1127G>T, p.Ser376Ile (NM_001172517.1, NM_015265.4); short protein forms S376I.
Identifiers: ClinVar variation 836573 (VCV000836573.10), dbSNP rs1688727085, ClinGen allele CA350387137.

ClinVar aggregate classification (germline): Uncertain significance (1 of 4 stars; one submission).

Conditions:
Chromosome 2q32-q33 deletion syndrome (GLASS). Also called: Glass syndrome; 2q33.1 deletion syndrome. Identifiers: Orphanet 251019, MedGen C2676739, MONDO:0012864, OMIM 612313.

Allele frequency attached by ClinVar (database versions not stated): gnomAD exomes below 0.00001.

Submission:

Labcorp Genetics (formerly Invitae), Labcorp
Classification: Uncertain significance for Chromosome 2q32-q33 deletion syndrome. Last evaluated: 2019-12-16. Review status: criteria provided, single submitter. Criteria: Invitae Variant Classification Sherloc (09022015). Collection method: clinical testing. Allele origin: germline.
Comment: In summary, the available evidence is currently insufficient to determine the role of this variant in disease. Therefore, it has been classified as a Variant of Uncertain Significance. Algorithms developed to predict the effect of missense changes on protein structure and function are either unavailable or do not agree on the potential impact of this missense change (SIFT: "Deleterious"; PolyPhen-2: "Possibly Damaging"; Align-GVGD: "Class C0"). This variant has not been reported in the literature in individuals with SATB2-related conditions. This variant is not present in population databases (ExAC no frequency). This sequence change replaces serine with isoleucine at codon 376 of the SATB2 protein (p.Ser376Ile). The serine residue is highly conserved and there is a large physicochemical difference between serine and isoleucine.